The following is an entry in ClinVar:

NM_003106.4(SOX2):c.388_391del (p.Gly130fs)

Genes: SOX2-OT (SOX2 overlapping transcript; plus strand), SOX2 (SRY-box transcription factor 2; plus strand), LOC108281177 (SOX2 5' regulatory region; plus strand). Cytogenetic location: 3q26.33.
Variant type: Deletion.
Coding change: c.388_391del on transcript NM_003106.4 (MANE Select); coding-DNA positions 388 to 391, 4 bases deleted (GGGC; older notation c.388_391delGGGC).
Protein change: p.Gly130fs; shifts the reading frame from glycine 130.
Molecular consequence: frameshift variant.
Genome position (GRCh38, 1-based): chr3:181,712,748-181,712,751, GGGC deleted; deleting any 4 consecutive bases within chr3:181,712,745-181,712,751 gives the same sequence; the c. name uses the placement nearest the transcript's 3' end. VCF-style (leftmost placement, unchanged base first): chr3-181712744-CGGCG-C. GRCh37 (hg19) VCF-style: chr3-181430532-CGGCG-C.
Other names: short protein forms G130fs.
Identifiers: ClinVar variation 954296 (VCV000954296.10), dbSNP rs1714851160, ClinGen allele CA1139658371.

ClinVar aggregate classification (germline): Pathogenic (1 of 4 stars; one submission).

Conditions:
Anophthalmia/microphthalmia-esophageal atresia syndrome (MCOPS3). Also called: MICROPHTHALMIA AND ESOPHAGEAL ATRESIA SYNDROME; AEG SYNDROME; SOX2 Disorder. Identifiers: Orphanet 77298, MedGen C1859773, MONDO:0008799, OMIM 206900.

Submission:

Labcorp Genetics (formerly Invitae), Labcorp
Classification: Pathogenic for Anophthalmia/microphthalmia-esophageal atresia syndrome. Last evaluated: 2019-09-09. Review status: criteria provided, single submitter. Criteria: Invitae Variant Classification Sherloc (09022015). Collection method: clinical testing. Allele origin: germline.
Comment: This sequence change results in a premature translational stop signal in the SOX2 gene (p.Gly130Cysfs*23). While this is not anticipated to result in nonsense mediated decay, it is expected to disrupt the last 188 amino acids of the SOX2 protein. This variant is not present in population databases (ExAC no frequency). This variant has been observed in individual(s) with microphthalmia (Invitae). In at least one individual the variant was observed to be de novo. For these reasons, this variant has been classified as Pathogenic.